The following is an entry in ClinVar:

NM_000138.5(FBN1):c.2980G>T (p.Glu994Ter)

Gene: FBN1 (fibrillin 1; minus strand). Cytogenetic location: 15q21.1.
Variant type: single nucleotide variant.
Coding change: c.2980G>T on transcript NM_000138.5 (MANE Select); coding-DNA position 2980, G replaced by T.
Protein change: p.Glu994Ter; replaces glutamic acid 994 with a stop codon.
Molecular consequence: nonsense.
Genome position (GRCh38, 1-based): chr15:48,489,953, C>A on the plus strand (G>T on the coding strand, the complement: FBN1 is on the minus strand). VCF-style: chr15-48489953-C-A. GRCh37 (hg19) VCF-style: chr15-48782150-C-A.
Other names: c.2980G>T, p.Glu994Ter (NM_001406716.1); short protein forms E994*.
Identifiers: ClinVar variation 2925564 (VCV002925564.3), dbSNP rs780301913, ClinGen allele CA392329283.

ClinVar aggregate classification (germline): Pathogenic (1 of 4 stars; one submission).

Conditions:
Marfan syndrome (MFS). Also called: MARFAN SYNDROME, TYPE I; Marfan syndrome type 1; Marfan's syndrome; Marfan syndrome, classic; FBN1-Related Marfan Syndrome. Identifiers: Orphanet 284963, Orphanet 558, MedGen C0024796, MONDO:0007947, OMIM 154700.
Familial thoracic aortic aneurysm and aortic dissection (TAAD). Also called: Thoracic aortic aneurysms and dissections. Identifiers: Orphanet 91387, MedGen C4707243, MONDO:0019625.

Submission:

Labcorp Genetics (formerly Invitae), Labcorp
Classification: Pathogenic for Marfan syndrome; Familial thoracic aortic aneurysm and aortic dissection. Last evaluated: 2023-12-14. Review status: criteria provided, single submitter. Criteria: Invitae Variant Classification Sherloc (09022015). Collection method: clinical testing. Allele origin: germline.
Comment: This sequence change creates a premature translational stop signal (p.Glu994*) in the FBN1 gene. It is expected to result in an absent or disrupted protein product. Loss-of-function variants in FBN1 are known to be pathogenic (PMID: 17657824, 19293843). This variant is not present in population databases (gnomAD no frequency). This premature translational stop signal has been observed in individual(s) with Marfan syndrome (PMID: 9452033, 17657824). For these reasons, this variant has been classified as Pathogenic.

Literature cited by the submitters: PubMed 17657824; PubMed 19293843; PubMed 9452033.